The following is an entry in ClinVar:

NM_016222.4(DDX41):c.936-8G>A

Gene: DDX41 (DEAD-box helicase 41; minus strand). Cytogenetic location: 5q35.3.
Variant type: single nucleotide variant.
Coding change: c.936-8G>A on transcript NM_016222.4 (MANE Select); 8 bases into the intron before coding-DNA position 936, G replaced by A.
Molecular consequence: intron variant.
Genome position (GRCh38, 1-based): chr5:177,513,855, C>T on the plus strand (G>A on the coding strand, the complement: DDX41 is on the minus strand). VCF-style: chr5-177513855-C-T. GRCh37 (hg19) VCF-style: chr5-176940856-C-T.
Other names: c.558-8G>A (NM_001321830.2, NM_001321732.2).
Identifiers: ClinVar variation 3346814 (VCV003346814.1).

ClinVar aggregate classification (germline): Likely benign (0 of 4 stars; one submission).

Conditions:
DDX41-related disorder. Also called: DDX41-related condition.

gnomAD v4.1: 2 of 1,613,160 alleles (0.00012%); highest among the groups gnomAD compares: Non-Finnish European, 0.00017%; no homozygotes.

Submission:

PreventionGenetics, part of Exact Sciences
Classification: Likely benign for DDX41-related condition. Last evaluated: 2024-07-03. Review status: no assertion criteria provided. Collection method: clinical testing. Allele origin: germline.
Comment: This variant is classified as likely benign based on ACMG/AMP sequence variant interpretation guidelines (Richards et al. 2015 PMID: 25741868, with internal and published modifications).